The following is an entry in ClinVar:

NM_000551.4(VHL):c.434A>T (p.Gln145Leu)

Genes: VHL (von Hippel-Lindau tumor suppressor; plus strand), LOC107303340 (3p25 von Hippel-Lindau tumor suppressor, E3 ubiquitin protein ligase Alu-mediated recombination region; plus strand). Cytogenetic location: 3p25.3.
Variant type: single nucleotide variant.
Coding change: c.434A>T on transcript NM_000551.4 (MANE Select); coding-DNA position 434, A replaced by T.
Protein change: p.Gln145Leu; replaces glutamine 145 with leucine.
Molecular consequence: missense variant. On other transcripts: intron variant (2).
Genome position (GRCh38, 1-based): chr3:10,146,607, A>T. VCF-style: chr3-10146607-A-T. GRCh37 (hg19) VCF-style: chr3-10188291-A-T.
Other names: c.*18-3180A>T (NM_001354723.2); c.341-3180A>T (NM_198156.3); short protein forms Q145L.
Identifiers: ClinVar variation 219929 (VCV000219929.9), dbSNP rs864622313, ClinGen allele CA348226.

ClinVar aggregate classification (germline): Uncertain significance. Review status: criteria provided, multiple submitters, no conflicts (2 of 4 stars). 2 submissions from 2 submitters: Uncertain significance (2). Last evaluated 2026-07-07.

Conditions:
Chuvash polycythemia. Also called: POLYCYTHEMIA, VHL-DEPENDENT. Identifiers: Orphanet 238557, MedGen C1837915, MONDO:0009892, OMIM 263400.
Von Hippel-Lindau syndrome (VHLS). Also called: VHL syndrome; Von Hippel-Lindau; von Hippel–Lindau syndrome. Identifiers: Orphanet 892, MedGen C0019562, MONDO:0008667, OMIM 193300. Disease mechanism: loss of function.
Hereditary cancer-predisposing syndrome. Also called: Tumor predisposition; Neoplastic Syndromes, Hereditary; Hereditary Cancer Syndrome; Hereditary neoplastic syndrome. Identifiers: Orphanet 140162, MedGen C0027672, MeSH D009386, MONDO:0015356.

Submissions (2):

Ambry Genetics
Classification: Uncertain significance for Hereditary cancer-predisposing syndrome. Last evaluated: 2026-07-07. Review status: criteria provided, single submitter. Criteria: Ambry Variant Classification Scheme 2023. Collection method: clinical testing. Allele origin: germline.
Comment: The p.Q145L variant (also known as c.434A>T), located in coding exon 2 of the VHL gene, results from an A to T substitution at nucleotide position 434. The glutamine at codon 145 is replaced by leucine, an amino acid with dissimilar properties. This variant was determined to be functionally neutral in one saturation genome editing assay (Buckley M et al. Nat Genet, 2024 Jul;56:1446-1455). This amino acid position is well conserved in available vertebrate species. In addition, this alteration is predicted to be deleterious by in silico analysis. Based on the available evidence, the clinical significance of this variant remains unclear.

Labcorp Genetics (formerly Invitae), Labcorp
Classification: Uncertain significance for Von Hippel-Lindau syndrome; Chuvash polycythemia. Last evaluated: 2015-08-25. Review status: criteria provided, single submitter. Criteria: Invitae Variant Classification Sherloc (09022015). Collection method: clinical testing. Allele origin: germline.
Comment: Algorithms developed to predict the effect of missense changes on protein structure and function do not agree on the potential impact of this missense change (SIFT: "deleterious"; PolyPhen-2: "Benign"; Align-GVGD: "Class C25"). In summary, this is a novel missense change with uncertain impact on protein function. It has been classified as a Variant of Uncertain Significance. This variant is not present in population databases and has not been reported in the literature. This sequence change replaces glutamine with leucine at codon 145 of the VHL protein (p.Gln145Leu). The glutamine residue is highly conserved and there is a moderate physicochemical difference between glutamine and leucine.

Literature cited by the submitters: PubMed 38969834 (cited by Ambry Genetics).